The following is an entry in ClinVar:

NM_006206.6(PDGFRA):c.289T>A (p.Leu97Met)

Gene: PDGFRA (platelet derived growth factor receptor alpha; plus strand). Cytogenetic location: 4q12.
Variant type: single nucleotide variant.
Coding change: c.289T>A on transcript NM_006206.6 (MANE Select); coding-DNA position 289, T replaced by A.
Protein change: p.Leu97Met; replaces leucine 97 with methionine.
Molecular consequence: missense variant.
Genome position (GRCh38, 1-based): chr4:54,261,334, T>A. VCF-style: chr4-54261334-T-A. GRCh37 (hg19) VCF-style: chr4-55127501-T-A.
Other names: c.289T>A, p.Leu97Met (NM_001347827.2, NM_001347829.2); c.364T>A, p.Leu122Met (NM_001347828.2); c.328T>A, p.Leu110Met (NM_001347830.2); short protein forms L110M, L122M, L97M.
Identifiers: ClinVar variation 4861714 (VCV004861714.1).
Genomic context (GRCh38, chr4:54,261,334, plus strand): 5'-AACAGCGGCCTTTTTGTGACGGTCTTGGAAGTGAGCAGTGCCTCGGCGGCCCACACAGGG[T>A]TGTACACTTGCTATTACAACCACACTCAGACAGAAGAGAATGAGCTTGAAGGCAGGCACA-3'
Protein context (NP_006197.1, residues 87-107): VSSASAAHTG[Leu97Met]YTCYYNHTQT

ClinVar aggregate classification (germline): Uncertain significance (1 of 4 stars; one submission).

Conditions:
Hereditary cancer-predisposing syndrome. Also called: Neoplastic Syndromes, Hereditary; Tumor predisposition; Hereditary Cancer Syndrome; Hereditary neoplastic syndrome. Identifiers: Orphanet 140162, MedGen C0027672, MeSH D009386, MONDO:0015356.

gnomAD v4.1: 2 of 1,613,858 alleles (0.00012%); highest among the groups gnomAD compares: African/African-American, 0.0027%; no homozygotes.

Submission:

Ambry Genetics
Classification: Uncertain significance for Hereditary cancer-predisposing syndrome. Last evaluated: 2026-03-31. Review status: criteria provided, single submitter. Criteria: Ambry Variant Classification Scheme 2023. Collection method: clinical testing. Allele origin: germline.
Comment: The p.L97M variant (also known as c.289T>A), located in coding exon 2 of the PDGFRA gene, results from a T to A substitution at nucleotide position 289. The leucine at codon 97 is replaced by methionine, an amino acid with highly similar properties. This amino acid position is conserved. In addition, this alteration is predicted to be tolerated by in silico analysis. Based on the available evidence, the clinical significance of this variant remains unclear.